The following is an entry in ClinVar:

ClinVar aggregate classification (germline): Likely pathogenic (1 of 4 stars; one submission).

Conditions:
Hypohidrotic X-linked ectodermal dysplasia (XHED). Also called: ECTODERMAL DYSPLASIA 1; Anhidrotic ectodermal dysplasia X-linked; Christ Siemens Touraine syndrome; ECTODERMAL DYSPLASIA 1, HYPOHIDROTIC, X-LINKED; ECTODERMAL DYSPLASIA 1, HYPOHIDROTIC/HAIR/TOOTH TYPE, X-LINKED; ECTODERMAL DYSPLASIA, HYPOHIDROTIC, 1. Identifiers: Orphanet 181, Orphanet 238468, MedGen C0162359, MONDO:0010585, OMIM 305100.

Submission:

Labcorp Genetics (formerly Invitae), Labcorp
Classification: Likely pathogenic for Hypohidrotic X-linked ectodermal dysplasia. Last evaluated: 2023-01-28. Review status: criteria provided, single submitter. Criteria: Invitae Variant Classification Sherloc (09022015). Collection method: clinical testing. Allele origin: germline.
Comment: This variant disrupts the p.Ala356 amino acid residue in EDA. Other variant(s) that disrupt this residue have been determined to be pathogenic (PMID: 9683615, 11279189; Invitae). This suggests that this residue is clinically significant, and that variants that disrupt this residue are likely to be disease-causing. Advanced modeling of protein sequence and biophysical properties (such as structural, functional, and spatial information, amino acid conservation, physicochemical variation, residue mobility, and thermodynamic stability) performed at Invitae indicates that this missense variant is expected to disrupt EDA protein function. This missense change has been observed in individual(s) with clinical features of ectodermal dysplasia (Invitae). This variant is not present in population databases (gnomAD no frequency). This sequence change replaces alanine, which is neutral and non-polar, with threonine, which is neutral and polar, at codon 356 of the EDA protein (p.Ala356Thr). In summary, the currently available evidence indicates that the variant is pathogenic, but additional data are needed to prove that conclusively. Therefore, this variant has been classified as Likely Pathogenic.

Literature cited by the submitters: PubMed 9683615; PubMed 11279189.

NM_001399.5(EDA):c.1066G>A (p.Ala356Thr)

Gene: EDA (ectodysplasin A; plus strand). Cytogenetic location: Xq13.1.
Variant type: single nucleotide variant.
Coding change: c.1066G>A on transcript NM_001399.5 (MANE Select); coding-DNA position 1066, G replaced by A.
Protein change: p.Ala356Thr; replaces alanine 356 with threonine.
Molecular consequence: missense variant.
Genome position (GRCh38, 1-based): chrX:70,035,499, G>A. VCF-style: chrX-70035499-G-A. GRCh37 (hg19) VCF-style: chrX-69255349-G-A.
Other names: c.1060G>A, p.Ala354Thr (NM_001005609.2); c.1051G>A, p.Ala351Thr (NM_001005612.3); short protein forms A354T, A356T, A351T.
Identifiers: ClinVar variation 2768449 (VCV002768449.3), dbSNP rs2520347019, ClinGen allele CA413450125.